The following is an entry in ClinVar:

ClinVar aggregate classification (germline): Likely pathogenic (1 of 4 stars; one submission).

Conditions:
Mitochondrial complex I deficiency. Also called: NADH:Q(1) OXIDOREDUCTASE DEFICIENCY. Identifiers: Orphanet 2609, MedGen C1838979, MeSH C537475, MONDO:0100133.

Submission:

Natera, Inc.
Classification: Likely pathogenic for Mitochondrial complex I deficiency. Last evaluated: 2024-04-19. Review status: criteria provided, single submitter. Criteria: Natera Variant Classification Schema (03/2026). Collection method: clinical testing. Allele origin: germline.
Comment: The c.197dupA variant in NDUFS6 is a frameshift variant predicted to shift the reading frame beginning at codon 66 and leads to a stop codon 5 codons downstream. This variant is expected to result in nonsense mediated decay, truncation, or a dysfunctional protein product. This variant is rare in the general population with a frequency below the threshold expected for the associated phenotype(s). Given the available evidence, this variant is classified as Likely Pathogenic.

NM_004553.6(NDUFS6):c.197dup (p.Asn66fs)

Gene: NDUFS6 (NADH:ubiquinone oxidoreductase subunit S6; plus strand). Cytogenetic location: 5p15.33.
Variant type: Duplication.
Coding change: c.197dup on transcript NM_004553.6 (MANE Select); coding-DNA position 197, one base duplicated (A; older notation c.197dupA).
Protein change: p.Asn66fs; shifts the reading frame from asparagine 66.
Molecular consequence: frameshift variant.
Genome position (GRCh38, 1-based): chr5:1,814,349, A duplicated; the last of 4 consecutive A bases (chr5:1,814,346-1,814,349); duplicating any one gives the same sequence. VCF-style (leftmost placement, unchanged base first): chr5-1814345-G-GA. GRCh37 (hg19) VCF-style: chr5-1814459-G-GA.
Other names: short protein forms N66fs.
Identifiers: ClinVar variation 4815357 (VCV004815357.1).